The following is an entry in ClinVar:

NM_000379.4(XDH):c.1735C>T (p.Pro579Ser)

Gene: XDH (xanthine dehydrogenase; minus strand). Cytogenetic location: 2p23.1.
Variant type: single nucleotide variant.
Coding change: c.1735C>T on transcript NM_000379.4 (MANE Select); coding-DNA position 1735, C replaced by T.
Protein change: p.Pro579Ser; replaces proline 579 with serine.
Molecular consequence: missense variant.
Genome position (GRCh38, 1-based): chr2:31,372,349, G>A on the plus strand (C>T on the coding strand, the complement: XDH is on the minus strand). VCF-style: chr2-31372349-G-A. GRCh37 (hg19) VCF-style: chr2-31595215-G-A.
Other names: short protein forms P579S.
Identifiers: ClinVar variation 1967513 (VCV001967513.5), dbSNP rs1030771899, ClinGen allele CA346506721.

ClinVar aggregate classification (germline): Uncertain significance (1 of 4 stars; one submission).

Conditions:
Xanthinuria type II. Also called: Xanthine dehydrogenase and aldehyde oxidase combined deficiency of; XDH and AOX dual deficiency. Identifiers: Orphanet 3467, Orphanet 93602, MedGen C1863688, MONDO:0011346, OMIM 603592.

Allele frequency attached by ClinVar (database versions not stated): gnomAD exomes below 0.00001.
gnomAD v4.1: 3 of 1,614,166 alleles (0.00019%); highest among the groups gnomAD compares: Middle Eastern, 0.049%; no homozygotes.

Submission:

Labcorp Genetics (formerly Invitae), Labcorp
Classification: Uncertain significance for Xanthinuria type II. Last evaluated: 2022-06-23. Review status: criteria provided, single submitter. Criteria: Invitae Variant Classification Sherloc (09022015). Collection method: clinical testing. Allele origin: germline.
Comment: This variant has not been reported in the literature in individuals affected with XDH-related conditions. In summary, the available evidence is currently insufficient to determine the role of this variant in disease. Therefore, it has been classified as a Variant of Uncertain Significance. Algorithms developed to predict the effect of missense changes on protein structure and function (SIFT, PolyPhen-2, Align-GVGD) all suggest that this variant is likely to be tolerated. This variant is not present in population databases (gnomAD no frequency). This sequence change replaces proline, which is neutral and non-polar, with serine, which is neutral and polar, at codon 579 of the XDH protein (p.Pro579Ser).